The following is an entry in ClinVar:

NM_006265.3(RAD21):c.1858A>T (p.Ile620Phe)

Gene: RAD21 (RAD21 cohesin complex component; minus strand). Cytogenetic location: 8q24.11.
Variant type: single nucleotide variant.
Coding change: c.1858A>T on transcript NM_006265.3 (MANE Select); coding-DNA position 1858, A replaced by T.
Protein change: p.Ile620Phe; replaces isoleucine 620 with phenylalanine.
Molecular consequence: missense variant.
Genome position (GRCh38, 1-based): chr8:116,847,538, T>A on the plus strand (A>T on the coding strand, the complement: RAD21 is on the minus strand). VCF-style: chr8-116847538-T-A. GRCh37 (hg19) VCF-style: chr8-117859777-T-A.
Other names: short protein forms I620F.
Identifiers: ClinVar variation 1479168 (VCV001479168.6), dbSNP rs764118613, ClinGen allele CA371988782.

ClinVar aggregate classification (germline): Likely pathogenic (1 of 4 stars; one submission).

Conditions:
Cornelia de Lange syndrome 4 (CDLS4). Also called: RAD21-Related Cornelia de Lange Syndrome; CORNELIA DE LANGE SYNDROME 4 WITH OR WITHOUT MIDLINE BRAIN DEFECTS. Identifiers: Orphanet 199, MedGen C3553517, MONDO:0013864, OMIM 614701.

Submission:

Labcorp Genetics (formerly Invitae), Labcorp
Classification: Likely pathogenic for Cornelia de Lange syndrome 4. Last evaluated: 2021-10-28. Review status: criteria provided, single submitter. Criteria: Invitae Variant Classification Sherloc (09022015). Collection method: clinical testing. Allele origin: germline.
Comment: In summary, the currently available evidence indicates that the variant is pathogenic, but additional data are needed to prove that conclusively. Therefore, this variant has been classified as Likely Pathogenic. Algorithms developed to predict the effect of missense changes on protein structure and function are either unavailable or do not agree on the potential impact of this missense change (SIFT: "Deleterious"; PolyPhen-2: "Probably Damaging"; Align-GVGD: "Class C15"). This missense change has been observed in individual(s) with clinical features of Cornelia de Lange syndrome (Invitae). In at least one individual the variant was observed to be de novo. This variant is not present in population databases (gnomAD no frequency). This sequence change replaces isoleucine, which is neutral and non-polar, with phenylalanine, which is neutral and non-polar, at codon 620 of the RAD21 protein (p.Ile620Phe).